The following is an entry in ClinVar:

NM_000548.5(TSC2):c.2764T>G (p.Leu922Val)

Gene: TSC2 (TSC complex subunit 2; plus strand). Cytogenetic location: 16p13.3.
Variant type: single nucleotide variant.
Coding change: c.2764T>G on transcript NM_000548.5 (MANE Select); coding-DNA position 2764, T replaced by G.
Protein change: p.Leu922Val; replaces leucine 922 with valine.
Molecular consequence: missense variant.
Genome position (GRCh38, 1-based): chr16:2,076,512, T>G. VCF-style: chr16-2076512-T-G. GRCh37 (hg19) VCF-style: chr16-2126513-T-G.
Other names: c.2764T>G, p.Leu922Val (NM_001077183.3, NM_001114382.3, NM_001363528.2 and 3 more transcripts); c.2653T>G, p.Leu885Val (NM_001318827.2); c.2617T>G, p.Leu873Val (NM_001318829.2); c.2164T>G, p.Leu722Val (NM_001318831.2); c.2797T>G, p.Leu933Val (NM_001318832.2); short protein forms L722V, L873V, L885V, L933V, L922V.
Identifiers: ClinVar variation 957427 (VCV000957427.11), dbSNP rs2089404994, ClinGen allele CA394279862.
Genomic context (GRCh38, chr16:2,076,512, plus strand): 5'-TTGCCACCCCTCACTGTCTGGGTGTGCTCACTCTGCCAGGGCCTGCGGTCCAATGTCCTC[T>G]TGTCTTTTGATGACACCCCCGAGAAGGACAGCTTCAGGGCCCGGAGTACTAGTCTCAACG-3'
Protein context (NP_000539.2, residues 912-932): ITKGLRSNVL[Leu922Val]SFDDTPEKDS

ClinVar aggregate classification (germline): Uncertain significance. Review status: criteria provided, multiple submitters, no conflicts (2 of 4 stars). 2 submissions from 2 submitters: Uncertain significance (2). Last evaluated 2023-04-18.

Conditions:
Hereditary cancer-predisposing syndrome. Also called: Hereditary neoplastic syndrome; Tumor predisposition; Neoplastic Syndromes, Hereditary; Hereditary Cancer Syndrome. Identifiers: Orphanet 140162, MedGen C0027672, MeSH D009386, MONDO:0015356.
Tuberous sclerosis 2 (TSC2). Identifiers: Orphanet 805, MedGen C1860707, MONDO:0013199, OMIM 613254.

Submissions (2):

Ambry Genetics
Classification: Uncertain significance for Hereditary cancer-predisposing syndrome. Last evaluated: 2023-04-18. Review status: criteria provided, single submitter. Criteria: Ambry Variant Classification Scheme 2023. Collection method: clinical testing. Allele origin: germline.
Comment: The p.L922V variant (also known as c.2764T>G), located in coding exon 24 of the TSC2 gene, results from a T to G substitution at nucleotide position 2764. The leucine at codon 922 is replaced by valine, an amino acid with highly similar properties. This amino acid position is conserved. In addition, the in silico prediction for this alteration is inconclusive. Since supporting evidence is limited at this time, the clinical significance of this alteration remains unclear.

Labcorp Genetics (formerly Invitae), Labcorp
Classification: Uncertain significance for Tuberous sclerosis 2. Last evaluated: 2019-11-04. Review status: criteria provided, single submitter. Criteria: Invitae Variant Classification Sherloc (09022015). Collection method: clinical testing. Allele origin: germline.
Comment: This sequence change replaces leucine with valine at codon 922 of the TSC2 protein (p.Leu922Val). The leucine residue is highly conserved and there is a small physicochemical difference between leucine and valine. This variant is not present in population databases (ExAC no frequency). This variant has not been reported in the literature in individuals with TSC2-related conditions. Algorithms developed to predict the effect of missense changes on protein structure and function (SIFT, PolyPhen-2, Align-GVGD) all suggest that this variant is likely to be tolerated, but these predictions have not been confirmed by published functional studies and their clinical significance is uncertain. In summary, the available evidence is currently insufficient to determine the role of this variant in disease. Therefore, it has been classified as a Variant of Uncertain Significance.